The following is an entry in ClinVar:

NM_002206.3(ITGA7):c.810G>T (p.Gly270=)

Gene: ITGA7 (integrin subunit alpha 7; minus strand). Cytogenetic location: 12q13.2.
Variant type: single nucleotide variant.
Coding change: c.810G>T on transcript NM_002206.3 (MANE Select); coding-DNA position 810, G replaced by T.
Protein change: p.Gly270=; no amino-acid change (glycine 270 retained).
Molecular consequence: synonymous variant. On other transcripts: 5 prime UTR variant (1).
Genome position (GRCh38, 1-based): chr12:55,698,898, C>A on the plus strand (G>T on the coding strand, the complement: ITGA7 is on the minus strand). VCF-style: chr12-55698898-C-A. GRCh37 (hg19) VCF-style: chr12-56092682-C-A.
Other names: c.822G>T, p.Gly274= (NM_001144996.2, NM_001414029.1, NM_001414030.1); c.531G>T, p.Gly177= (NM_001144997.2); c.483G>T, p.Gly161= (NM_001367993.1); c.-483G>T (NM_001367994.1); c.810G>T, p.Gly270= (NM_001374465.1, NM_001414031.1, NM_001414034.1); c.942G>T, p.Gly314= (NM_001410977.1); c.690G>T, p.Gly230= (NM_001414032.1); c.627G>T, p.Gly209= (NM_001414033.1); and 1 more.
Identifiers: ClinVar variation 508763 (VCV000508763.7), dbSNP rs3847675, ClinGen allele CA6616150.

ClinVar aggregate classification (germline): Conflicting classifications of pathogenicity. Review status: criteria provided, conflicting classifications (1 of 4 stars). 2 submissions from 2 submitters: Uncertain significance (1); Likely benign (1). Last evaluated 2022-11-01.

Conditions:
Congenital muscular dystrophy due to integrin alpha-7 deficiency. Also called: MYOPATHY, CONGENITAL, DUE TO INTEGRIN ALPHA-7 DEFICIENCY; Congenital muscular dystrophy with integrin alpha-7 deficiency; Muscular dystrophy, congenital, due to ITGA7 deficiency. Identifiers: Orphanet 34520, MedGen C2750786, MONDO:0013177, OMIM 613204.

Allele frequency attached by ClinVar (database versions not stated): 1000 Genomes Project 30x 0.00016.
gnomAD v4.1: 233 of 1,612,674 alleles (0.014%); highest among the groups gnomAD compares: Non-Finnish European, 0.019%; no homozygotes.

Submissions (3):

Labcorp Genetics (formerly Invitae), Labcorp
Classification: Uncertain significance for Congenital muscular dystrophy due to integrin alpha-7 deficiency. Last evaluated: 2022-11-01. Review status: criteria provided, single submitter. Criteria: Invitae Variant Classification Sherloc (09022015). Collection method: clinical testing. Allele origin: germline.
Comment: This sequence change affects codon 270 of the ITGA7 mRNA. It is a 'silent' change, meaning that it does not change the encoded amino acid sequence of the ITGA7 protein. This variant is present in population databases (rs3847675, gnomAD 0.007%). This variant has not been reported in the literature in individuals affected with ITGA7-related conditions. ClinVar contains an entry for this variant (Variation ID: 508763). Algorithms developed to predict the effect of sequence changes on RNA splicing suggest that this variant may create or strengthen a splice site. In summary, the available evidence is currently insufficient to determine the role of this variant in disease. Therefore, it has been classified as a Variant of Uncertain Significance.

GeneDx
Classification: Likely benign. Last evaluated: 2017-04-12. Review status: criteria provided, single submitter. Criteria: GeneDx Variant Classification (06012015). Collection method: clinical testing. Allele origin: germline. Affected: yes.
Comment: This variant is considered likely benign or benign based on one or more of the following criteria: it is a conservative change, it occurs at a poorly conserved position in the protein, it is predicted to be benign by multiple in silico algorithms, and/or has population frequency not consistent with disease.

Dr. Peter K. Rogan Lab, Western University
No classification provided (evidence only). Condition: Thyroid cancer, nonmedullary, 1. Review status: no classification provided. Collection method: in vitro. Allele origin: not applicable. Functional consequence: retained intron. Not counted in ClinVar's aggregate classification.